The following is an entry in ClinVar:

ClinVar aggregate classification (germline): Uncertain significance (1 of 4 stars; one submission).

Allele frequency attached by ClinVar (database versions not stated): ExAC 0.00002; gnomAD exomes 0.00003.
gnomAD v4.1: 19 of 1,613,718 alleles (0.0012%); highest among the groups gnomAD compares: Admixed American, 0.013%; no homozygotes.

Submission:

Labcorp Genetics (formerly Invitae), Labcorp
Classification: Uncertain significance. Last evaluated: 2022-07-15. Review status: criteria provided, single submitter. Criteria: Invitae Variant Classification Sherloc (09022015). Collection method: clinical testing. Allele origin: germline.
Comment: This sequence change replaces arginine, which is basic and polar, with glutamine, which is neutral and polar, at codon 2453 of the VPS13D protein (p.Arg2453Gln). This variant is present in population databases (rs768580240, gnomAD 0.02%). This variant has not been reported in the literature in individuals affected with VPS13D-related conditions. ClinVar contains an entry for this variant (Variation ID: 1502175). Algorithms developed to predict the effect of missense changes on protein structure and function are either unavailable or do not agree on the potential impact of this missense change (SIFT: "Not Available"; PolyPhen-2: "Possibly Damaging"; Align-GVGD: "Not Available"). In summary, the available evidence is currently insufficient to determine the role of this variant in disease. Therefore, it has been classified as a Variant of Uncertain Significance.

NM_015378.4(VPS13D):c.7358G>A (p.Arg2453Gln)

Gene: VPS13D (vacuolar protein sorting 13 homolog D; plus strand). Cytogenetic location: 1p36.22.
Variant type: single nucleotide variant.
Coding change: c.7358G>A on transcript NM_015378.4 (MANE Select); coding-DNA position 7358, G replaced by A.
Protein change: p.Arg2453Gln; replaces arginine 2453 with glutamine.
Molecular consequence: missense variant.
Genome position (GRCh38, 1-based): chr1:12,318,281, G>A. VCF-style: chr1-12318281-G-A. GRCh37 (hg19) VCF-style: chr1-12378338-G-A.
Other names: c.7358G>A, p.Arg2453Gln (NM_018156.4); short protein forms R2453Q.
Identifiers: ClinVar variation 1502175 (VCV001502175.5), dbSNP rs768580240, ClinGen allele CA602814.